The following is an entry in ClinVar:

ClinVar aggregate classification (germline): Conflicting classifications of pathogenicity. Review status: criteria provided, conflicting classifications (1 of 4 stars). 5 submissions from 5 submitters: Uncertain significance (1); Benign (1); Likely benign (2). 1 of the submissions does not count toward it. Last evaluated 2025-11-01.

Conditions:
3MC syndrome 1. Also called: MICHELS SYNDROME; CRANIOSYNOSTOSIS WITH LID ANOMALIES; OCULOPALATOSKELETAL SYNDROME. Identifiers: Orphanet 293843, MedGen C0796059, MONDO:0009770, OMIM 257920.
MASP1-related disorder. Also called: MASP1-related condition.

Allele frequency attached by ClinVar (database versions not stated): gnomAD 0.00176 and 0.00174; ExAC 0.00269; 1000 Genomes Project 0.00080; gnomAD exomes 0.00186 and 0.00213; TOPMed 0.00189; 1000 Genomes Project 30x 0.00078; ESP Exome Variant Server 0.00169.
gnomAD v4.1: 3,400 of 1,611,998 alleles (0.21%); highest among the groups gnomAD compares: Middle Eastern, 0.36%; 3 homozygotes.

Submissions (5):

CeGaT Center for Human Genetics Tuebingen
Classification: Likely benign. Last evaluated: 2025-11-01. Review status: criteria provided, single submitter. Criteria: CeGaT Center For Human Genetics Tuebingen Variant Classification Criteria Version 2. Collection method: clinical testing. Allele origin: germline. Affected: yes. Observed: 6 variant alleles.
Comment: MASP1: PP3, BS2

Blueprint Genetics
Classification: Likely benign. Last evaluated: 2024-11-13. Review status: criteria provided, single submitter. Criteria: ACMG Guidelines, 2015. Collection method: clinical testing. Allele origin: germline.

GeneDx
Classification: Uncertain significance. Last evaluated: 2021-01-14. Review status: criteria provided, single submitter. Criteria: GeneDx Variant Classification Process June 2021. Collection method: clinical testing. Allele origin: germline. Affected: yes.
Comment: In silico analysis supports that this missense variant does not alter protein structure/function; Has not been previously published as pathogenic or benign to our knowledge

ARUP Laboratories, Molecular Genetics and Genomics, ARUP Laboratories
Classification: Benign for 3MC syndrome 1. Last evaluated: 2019-03-18. Review status: criteria provided, single submitter. Criteria: ARUP Molecular Germline Variant Investigation Process. Collection method: clinical testing. Allele origin: germline.

PreventionGenetics, part of Exact Sciences
Classification: Likely benign for MASP1-related condition. Last evaluated: 2023-04-11. Review status: no assertion criteria provided. Collection method: clinical testing. Allele origin: germline. Not counted in ClinVar's aggregate classification.
Comment: This variant is classified as likely benign based on ACMG/AMP sequence variant interpretation guidelines (Richards et al. 2015 PMID: 25741868, with internal and published modifications).

NM_001879.6(MASP1):c.1528A>G (p.Ser510Gly)

Gene: MASP1 (MBL associated serine protease 1; minus strand). Cytogenetic location: 3q27.3.
Variant type: single nucleotide variant.
Coding change: c.1528A>G on transcript NM_001879.6 (MANE Plus Clinical); coding-DNA position 1528, A replaced by G.
Protein change: p.Ser510Gly; replaces serine 510 with glycine.
Molecular consequence: missense variant.
Genome position (GRCh38, 1-based): chr3:187,226,434, T>C on the plus strand (A>G on the coding strand, the complement: MASP1 is on the minus strand). VCF-style: chr3-187226434-T-C. GRCh37 (hg19) VCF-style: chr3-186944222-T-C.
Other names: short protein forms S510G.
Identifiers: ClinVar variation 811674 (VCV000811674.35), dbSNP rs28945070, ClinGen allele CA2748877.
Genomic context (GRCh38, chr3:187,226,434, plus strand): 5'-CTTTGGGAGTCAGCTTGCCCCTCACTCACTCACCCAGGATGATTTTGAAGTCAGAAGGGC[T>C]GAGCAAGTCTGAATCACGTAGGGTCGGATCTTCCGGATCGAGTGACTGGTGGAGGCAGTG-3'
Protein context (NP_001870.3, residues 500-520): DPTLRDSDLL[Ser510Gly]PSDFKIILGK